The following is an entry in ClinVar:

ClinVar aggregate classification (germline): Conflicting classifications of pathogenicity. Review status: criteria provided, conflicting classifications (1 of 4 stars). 3 submissions from 3 submitters: Likely pathogenic (1); Uncertain significance (1). 1 of the submissions does not count toward it. Last evaluated 2019-12-09.

Conditions:
Complex neurodevelopmental disorder. Identifiers: Orphanet 528084, MedGen C5568766, MONDO:0100038.
TBL1XR1-related neurodevelopmental disorders, including Pierpont syndrome.

Submissions (3):

Illumina Laboratory Services, Illumina
Classification: Likely pathogenic for TBL1XR1-related neurodevelopmental disorders, including Pierpont syndrome. Last evaluated: 2019-12-09. Review status: criteria provided, single submitter. Criteria: ICSLVariantClassificationCriteria RUGD 01 April 2020. Collection method: clinical testing. Allele origin: unknown.
Comment: The TBL1XR1 c.86G>A (p.Gly29Asp) variant is a missense variant that has been reported in a heterozygous state in one individual with a clinical diagnosis of West syndrome (Muir et al. 2019). The p.Gly29Asp variant has also been reported as a diagnostic candidate in a second individual referred for clinical whole exome sequencing whose data was reanalyzed after receiving initial non-diagnostic results (Baker et al. 2019). The second affected individual is only described as being affected with intellectual disability. In both individuals, the p.Gly29Asp variant was confirmed to occurr in a de novo state. The p.Gly29Asp variant is not found in the Genome Aggregation Database despite good sequencing coverage, so the variant is presumed to be rare. The p.Gly29Asp variant occurs at a conserved residue in the N-terminal LisH domain and in silico tools predict it to be damaging, however, this has not been evaluated experimentally. Based on the collective evidence and application of ACMG criteria, the TBL1XR1 p.Gly29Asp variant is classified as likely pathogenic for TBL1XR1-related neurodevelopmental disorders, including Pierpont syndrome.

Genomic Diagnostic Laboratory, Division of Genomic Diagnostics, Children's Hospital of Philadelphia
Classification: Uncertain significance. Last evaluated: 2015-09-24. Review status: criteria provided, single submitter. Criteria: DGD Variant Analysis Guidelines. Collection method: clinical testing. Allele origin: unknown.

Molecular Genetics Laboratory, BC Children's and BC Women's Hospitals
Classification: Likely pathogenic for Complex neurodevelopmental disorder. Last evaluated: 2025-12-17. Review status: no assertion criteria provided. Criteria: ACMG Guidelines, 2015. Collection method: clinical testing. Allele origin: de novo. Affected: yes. Not counted in ClinVar's aggregate classification.

Literature cited by the submitters: PubMed 30577886 (cited by Illumina Laboratory Services, Illumina); PubMed 31394400 (cited by Illumina Laboratory Services, Illumina).

NM_024665.7(TBL1XR1):c.86G>A (p.Gly29Asp)

Gene: TBL1XR1 (TBL1X/Y related 1; minus strand). Cytogenetic location: 3q26.32.
Variant type: single nucleotide variant.
Coding change: c.86G>A on transcript NM_024665.7 (MANE Select); coding-DNA position 86, G replaced by A.
Protein change: p.Gly29Asp; replaces glycine 29 with aspartic acid.
Molecular consequence: missense variant. On other transcripts: 5 prime UTR variant (2).
Genome position (GRCh38, 1-based): chr3:177,053,891, C>T on the plus strand (G>A on the coding strand, the complement: TBL1XR1 is on the minus strand). VCF-style: chr3-177053891-C-T. GRCh37 (hg19) VCF-style: chr3-176771679-C-T.
Other names: c.86G>A, p.Gly29Asp (NM_001321193.3, NM_001321194.3, NM_001374327.1 and 2 more transcripts); c.-176G>A (NM_001321195.3, NM_001374330.1); short protein forms G29D.
Identifiers: ClinVar variation 252742 (VCV000252742.7), dbSNP rs879255421, ClinGen allele CA10585976.